The following is an entry in ClinVar:

ClinVar aggregate classification (germline): Uncertain significance. Review status: criteria provided, multiple submitters, no conflicts (2 of 4 stars). 4 submissions from 4 submitters: Uncertain significance (3). 1 of the submissions does not count toward it. Last evaluated 2025-03-17.

Conditions:
SCN3A-related disorder. Also called: SCN3A-related condition.
Inborn genetic diseases. Identifiers: MedGen C0950123, MeSH D030342.

Submissions (4):

Labcorp Genetics (formerly Invitae), Labcorp
Classification: Uncertain significance. Last evaluated: 2025-03-17. Review status: criteria provided, single submitter. Criteria: Invitae Variant Classification Sherloc (09022015). Collection method: clinical testing. Allele origin: germline.
Comment: This sequence change replaces asparagine, which is neutral and polar, with serine, which is neutral and polar, at codon 1539 of the SCN3A protein (p.Asn1539Ser). This variant is not present in population databases (gnomAD no frequency). This variant has not been reported in the literature in individuals affected with SCN3A-related conditions. ClinVar contains an entry for this variant (Variation ID: 1315119). Invitae Evidence Modeling of protein sequence and biophysical properties (such as structural, functional, and spatial information, amino acid conservation, physicochemical variation, residue mobility, and thermodynamic stability) indicates that this missense variant is expected to disrupt SCN3A protein function with a positive predictive value of 95%. In summary, the available evidence is currently insufficient to determine the role of this variant in disease. Therefore, it has been classified as a Variant of Uncertain Significance.

Ambry Genetics
Classification: Uncertain significance for Inborn genetic diseases. Last evaluated: 2023-12-06. Review status: criteria provided, single submitter. Criteria: Ambry Variant Classification Scheme 2023. Collection method: clinical testing. Allele origin: germline.

GeneDx
Classification: Uncertain significance. Last evaluated: 2021-11-17. Review status: criteria provided, single submitter. Criteria: GeneDx Variant Classification Process June 2021. Collection method: clinical testing. Allele origin: germline. Affected: yes.
Comment: Not observed at significant frequency in large population cohorts (Lek et al., 2016); In silico analysis supports that this missense variant has a deleterious effect on protein structure/function; Has not been previously published as pathogenic or benign to our knowledge

PreventionGenetics, part of Exact Sciences
Classification: Uncertain significance for SCN3A-related condition. Last evaluated: 2024-08-21. Review status: no assertion criteria provided. Collection method: clinical testing. Allele origin: germline. Not counted in ClinVar's aggregate classification.
Comment: The SCN3A c.4616A>G variant is predicted to result in the amino acid substitution p.Asn1539Ser. To our knowledge, this variant has not been reported in the literature or in a large population database, indicating this variant is rare. At this time, the clinical significance of this variant is uncertain due to the absence of conclusive functional and genetic evidence.

NM_006922.4(SCN3A):c.4616A>G (p.Asn1539Ser)

Gene: SCN3A (sodium voltage-gated channel alpha subunit 3; minus strand). Cytogenetic location: 2q24.3.
Variant type: single nucleotide variant.
Coding change: c.4616A>G on transcript NM_006922.4 (MANE Select); coding-DNA position 4616, A replaced by G.
Protein change: p.Asn1539Ser; replaces asparagine 1539 with serine.
Molecular consequence: missense variant.
Genome position (GRCh38, 1-based): chr2:165,092,445, T>C on the plus strand (A>G on the coding strand, the complement: SCN3A is on the minus strand). VCF-style: chr2-165092445-T-C. GRCh37 (hg19) VCF-style: chr2-165948955-T-C.
Other names: c.4469A>G, p.Asn1490Ser (NM_001081676.2, NM_001081677.2); short protein forms N1490S, N1539S.
Identifiers: ClinVar variation 1315119 (VCV001315119.8), dbSNP rs2105627166, ClinGen allele CA349019217.